The following is an entry in ClinVar:

ClinVar aggregate classification (germline): Benign/Likely benign. Review status: criteria provided, multiple submitters, no conflicts (2 of 4 stars). 3 submissions from 3 submitters: Benign (1); Likely benign (2). Last evaluated 2026-01-27.

Conditions:
Joubert syndrome. Also called: Familial aplasia of the vermis; JOUBERT-BOLTSHAUSER SYNDROME. Identifiers: Orphanet 475, MedGen C5979921, MONDO:0018772.
Meckel-Gruber syndrome. Also called: DYSENCEPHALIA SPLANCHNOCYSTICA; GRUBER SYNDROME; Dysencephalia splachnocystica. Identifiers: Orphanet 564, MedGen C0265215, MONDO:0018921.

Allele frequency attached by ClinVar (database versions not stated): gnomAD exomes 0.00008 and 0.00024; ExAC 0.00036; ESP Exome Variant Server 0.00069; gnomAD 0.00079 and 0.00086; TOPMed 0.00091; 1000 Genomes Project 0.00140; 1000 Genomes Project 30x 0.00156.
gnomAD v4.1: 245 of 1,593,094 alleles (0.015%); highest among the groups gnomAD compares: African/African-American, 0.29%; no homozygotes.

Submissions (3):

Labcorp Genetics (formerly Invitae), Labcorp
Classification: Benign for Joubert syndrome; Meckel-Gruber syndrome. Last evaluated: 2026-01-27. Review status: criteria provided, single submitter. Criteria: Invitae Variant Classification Sherloc (09022015). Collection method: clinical testing. Allele origin: germline.

Blueprint Genetics
Classification: Likely benign. Last evaluated: 2023-04-10. Review status: criteria provided, single submitter. Criteria: ACMG Guidelines, 2015. Collection method: clinical testing. Allele origin: germline.

GeneDx
Classification: Likely benign. Last evaluated: 2018-04-30. Review status: criteria provided, single submitter. Criteria: GeneDx Variant Classification (06012015). Collection method: clinical testing. Allele origin: germline. Affected: yes.
Comment: This variant is considered likely benign or benign based on one or more of the following criteria: it is a conservative change, it occurs at a poorly conserved position in the protein, it is predicted to be benign by multiple in silico algorithms, and/or has population frequency not consistent with disease.

NM_153704.6(TMEM67):c.714+18A>T

Gene: TMEM67 (transmembrane protein 67; plus strand). Cytogenetic location: 8q22.1.
Variant type: single nucleotide variant.
Coding change: c.714+18A>T on transcript NM_153704.6 (MANE Select); 18 bases into the intron after coding-DNA position 714, A replaced by T.
Molecular consequence: intron variant.
Genome position (GRCh38, 1-based): chr8:93,772,669, A>T. VCF-style: chr8-93772669-A-T. GRCh37 (hg19) VCF-style: chr8-94784897-A-T.
Other names: c.471+18A>T (NM_001142301.1).
Identifiers: ClinVar variation 682507 (VCV000682507.10), dbSNP rs140881754, ClinGen allele CA4807749.